The following is an entry in ClinVar:

NM_001374736.1(DST):c.19363-7C>T

Gene: DST (dystonin; minus strand). Cytogenetic location: 6p12.1.
Variant type: single nucleotide variant.
Coding change: c.19363-7C>T on transcript NM_001374736.1 (MANE Select); 7 bases into the intron before coding-DNA position 19363, C replaced by T.
Molecular consequence: intron variant.
Genome position (GRCh38, 1-based): chr6:56,506,551, G>A on the plus strand (C>T on the coding strand, the complement: DST is on the minus strand). VCF-style: chr6-56506551-G-A. GRCh37 (hg19) VCF-style: chr6-56371349-G-A.
Other names: p.?; c.13006-7C>T (NM_001144769.5); c.19363-7C>T (NM_001374722.1); c.19390-7C>T (NM_001374734.1); c.12592-7C>T (NM_001144770.2); c.12145-7C>T (NM_001374730.1); c.12472-7C>T (NM_001386100.1, NM_183380.4); c.18403-7C>T (NM_001374729.1); and 1 more.
Identifiers: ClinVar variation 4683198 (VCV004683198.1).

ClinVar aggregate classification (germline): Likely benign (1 of 4 stars; one submission).

gnomAD v4.1: 9 of 1,611,072 alleles (0.00056%); highest among the groups gnomAD compares: Non-Finnish European, 0.00068%; no homozygotes.

Submission:

Mayo Clinic Laboratories, Mayo Clinic
Classification: Likely benign. Last evaluated: 2025-10-21. Review status: criteria provided, single submitter. Criteria: ACMG Guidelines, 2015. Collection method: clinical testing. Allele origin: germline. Observed: 1 variant allele.
Comment: BP4, BP7